The following is an entry in ClinVar:

ClinVar aggregate classification (germline): Likely pathogenic (1 of 4 stars; one submission).

Conditions:
Acyl-CoA dehydrogenase 9 deficiency. Also called: MITOCHONDRIAL COMPLEX I DEFICIENCY, NUCLEAR TYPE 20; Acyl-CoA dehydrogenase family, member 9, deficiency of. Identifiers: Orphanet 99901, MedGen C4747517, MONDO:0012624, OMIM 611126.

Submission:

Pediatric Department, Xiangya Hospital, Central South University
Classification: Likely pathogenic for Acyl-CoA dehydrogenase 9 deficiency. Review status: criteria provided, single submitter. Criteria: ACMG Guidelines, 2015. Collection method: clinical testing. Allele origin: paternal. Inheritance: Autosomal recessive inheritance. Affected: yes. Observed: 2 compound heterozygotes. Clinical features observed: Abnormality of the cardiovascular system, Respiratory distress.
Comment: This variant was observed in compound heterozygosity with variant (c.1237G>A)

NM_014049.5(ACAD9):c.1693-1G>A

Genes: ACAD9 (acyl-CoA dehydrogenase family member 9; plus strand), CFAP92 (cilia and flagella associated protein 92 (putative); minus strand). Cytogenetic location: 3q21.3.
Variant type: single nucleotide variant.
Coding change: c.1693-1G>A on transcript NM_014049.5 (MANE Select); the canonical splice acceptor site of the intron before coding-DNA position 1693, G replaced by A.
Molecular consequence: splice acceptor variant. On other transcripts: intron variant (3).
Genome position (GRCh38, 1-based): chr3:128,910,740, G>A. VCF-style: chr3-128910740-G-A. GRCh37 (hg19) VCF-style: chr3-128629583-G-A.
Other names: c.1324-1G>A (NM_001410805.1); c.2312-407C>T (NM_001348521.2); c.2408-407C>T (NM_001348520.2); c.3281-407C>T (NM_001394090.1).
Identifiers: ClinVar variation 1802993 (VCV001802993.1), dbSNP rs2529287334, ClinGen allele CA354440429.